The following is an entry in ClinVar:

ClinVar aggregate classification (germline): Pathogenic (1 of 4 stars; one submission).

Conditions:
Usher syndrome type 1C. Also called: USHER SYNDROME, TYPE I, ACADIAN VARIETY. Identifiers: Orphanet 231169, Orphanet 886, MedGen C1848604, MONDO:0010171, OMIM 276904.

Submission:

Natera, Inc.
Classification: Pathogenic for Usher syndrome type 1C. Last evaluated: 2025-02-24. Review status: criteria provided, single submitter. Criteria: Natera Variant Classification Schema (03/2026). Collection method: clinical testing. Allele origin: germline.
Comment: The c.36+1G>C variant in USH1C is a canonical splice donor site variant predicted to affect pre-mRNA splicing, which may result in an abnormal transcript and altered protein product. This variant is expected to result in nonsense mediated decay, truncation, or a dysfunctional protein product. This variant is rare in the general population with a frequency below the threshold expected for the associated phenotype(s). Another variant at this same site results in an alteration predicted to cause a similar molecular effect has been observed in individual(s) with the associated phenotype. Given the available evidence, this variant is classified as Pathogenic.

NM_153676.4(USH1C):c.36+1G>C

Gene: USH1C (USH1 protein network component harmonin; minus strand). Cytogenetic location: 11p15.1.
Variant type: single nucleotide variant.
Coding change: c.36+1G>C on transcript NM_153676.4 (MANE Select); the canonical splice donor site of the intron after coding-DNA position 36, G replaced by C.
Molecular consequence: splice donor variant.
Genome position (GRCh38, 1-based): chr11:17,544,271, C>G on the plus strand (G>C on the coding strand, the complement: USH1C is on the minus strand). VCF-style: chr11-17544271-C-G. GRCh37 (hg19) VCF-style: chr11-17565818-C-G.
Other names: c.36+1G>C (NM_001297764.2, NM_005709.4).
Identifiers: ClinVar variation 4062527 (VCV004062527.2).